The following is an entry in ClinVar:

NM_015459.5(ATL3):c.1292A>C (p.His431Pro)

Genes: ATL3 (atlastin GTPase 3; minus strand), LNCROPM (lncRNA regulator of PLAAT3 mediated phospholipid metabolism; plus strand), LOC126861231 (CDK7 strongly-dependent group 2 enhancer GRCh37_chr11:63398741-63399940; plus strand). Cytogenetic location: 11q13.1.
Variant type: single nucleotide variant.
Coding change: c.1292A>C on transcript NM_015459.5 (MANE Select); coding-DNA position 1292, A replaced by C.
Protein change: p.His431Pro; replaces histidine 431 with proline.
Molecular consequence: missense variant.
Genome position (GRCh38, 1-based): chr11:63,631,287, T>G on the plus strand (A>C on the coding strand, the complement: ATL3 is on the minus strand). VCF-style: chr11-63631287-T-G. GRCh37 (hg19) VCF-style: chr11-63398759-T-G.
Other names: c.1238A>C, p.His413Pro (NM_001290048.2); short protein forms H413P, H431P.
Identifiers: ClinVar variation 3628478 (VCV003628478.2).

ClinVar aggregate classification (germline): Uncertain significance (1 of 4 stars; one submission).

Conditions:
Neuropathy, hereditary sensory, type 1F. Also called: Hereditary sensory neuropathy type IF; HSN IF. Identifiers: Orphanet 36386, MedGen C3810194, MONDO:0014286, OMIM 615632.

gnomAD v4.1: 1 of 1,614,100 alleles (0.000062%); highest among the groups gnomAD compares: African/African-American, 0.0013%; no homozygotes.

Submission:

Labcorp Genetics (formerly Invitae), Labcorp
Classification: Uncertain significance for Neuropathy, hereditary sensory, type 1F. Last evaluated: 2024-05-09. Review status: criteria provided, single submitter. Criteria: Invitae Variant Classification Sherloc (09022015). Collection method: clinical testing. Allele origin: germline.
Comment: This sequence change replaces histidine, which is basic and polar, with proline, which is neutral and non-polar, at codon 431 of the ATL3 protein (p.His431Pro). This variant is present in population databases (no rsID available, gnomAD 0.01%). This variant has not been reported in the literature in individuals affected with ATL3-related conditions. Advanced modeling of protein sequence and biophysical properties (such as structural, functional, and spatial information, amino acid conservation, physicochemical variation, residue mobility, and thermodynamic stability) performed at Invitae indicates that this missense variant is expected to disrupt ATL3 protein function with a positive predictive value of 80%. In summary, the available evidence is currently insufficient to determine the role of this variant in disease. Therefore, it has been classified as a Variant of Uncertain Significance.